The following is an entry in ClinVar:

NC_000017.10:g.(?_42151508)_(42153411_?)del

Gene: G6PC3 (glucose-6-phosphatase catalytic subunit 3; plus strand). Cytogenetic location: 17q21.31.
Variant type: Deletion.
Identifiers: ClinVar variation 2427235 (VCV002427235.3).

ClinVar aggregate classification (germline): Pathogenic (1 of 4 stars; one submission).

Conditions:
Autosomal recessive severe congenital neutropenia due to G6PC3 deficiency. Also called: NEUTROPENIA, SEVERE CONGENITAL, 4, AUTOSOMAL RECESSIVE; G6PC3 Deficiency. Identifiers: Orphanet 331176, MedGen C2751630, MONDO:0012930, OMIM 612541.

Submission:

Labcorp Genetics (formerly Invitae), Labcorp
Classification: Pathogenic for Autosomal recessive severe congenital neutropenia due to G6PC3 deficiency. Last evaluated: 2023-06-07. Review status: criteria provided, single submitter. Criteria: Invitae Variant Classification Sherloc (09022015). Collection method: clinical testing. Allele origin: germline.
Comment: For these reasons, this variant has been classified as Pathogenic. This variant disrupts a region of the G6PC3 protein in which other variant(s) (p.Arg253His) have been determined to be pathogenic (PMID: 19118303, 20717171, 21385794). This suggests that this is a clinically significant region of the protein, and that variants that disrupt it are likely to be disease-causing. This variant has not been reported in the literature in individuals affected with G6PC3-related conditions. This variant is a gross deletion of the genomic region encompassing exon(s) 2-6 of the G6PC3 gene, which includes the termination codon. This deletion extends beyond the assayed region for this gene and therefore may encompass additional genes. While this deletion is not anticipated to lead to nonsense mediated decay, it is expected to alter mRNA translation or result in a truncated protein product.

Literature cited by the submitters: PubMed 19118303; PubMed 20717171; PubMed 21385794.